The following is an entry in ClinVar:

NM_002635.4(SLC25A3):c.-38C>G

Gene: SLC25A3 (solute carrier family 25 member 3; plus strand). Cytogenetic location: 12q23.1.
Variant type: single nucleotide variant.
Coding change: c.-38C>G on transcript NM_002635.4 (MANE Select); 38 bases upstream of the start codon, C replaced by G.
Molecular consequence: 5 prime UTR variant.
Genome position (GRCh38, 1-based): chr12:98,593,707, C>G. VCF-style: chr12-98593707-C-G. GRCh37 (hg19) VCF-style: chr12-98987485-C-G.
Other names: c.-38C>G (NM_005888.4); c.-272C>G (NM_213611.3).
Identifiers: ClinVar variation 139150 (VCV000139150.1), dbSNP rs542602103, ClinGen allele CA293537.

ClinVar aggregate classification (germline): Benign (1 of 4 stars; one submission).

Allele frequency attached by ClinVar (database versions not stated): 1000 Genomes Project 0.00180; TOPMed 0.00205; 1000 Genomes Project 30x 0.00234.
gnomAD v4.1: 398 of 552,998 alleles (0.072%); highest among the groups gnomAD compares: African/African-American, 0.6%; no homozygotes.

Submission:

GeneDx
Classification: Benign. Last evaluated: 2013-01-08. Review status: criteria provided, single submitter. Criteria: GeneDx Variant Classification (06012015). Collection method: clinical testing. Allele origin: germline. Affected: yes.
Comment: This variant is considered likely benign or benign based on one or more of the following criteria: it is a conservative change, it occurs at a poorly conserved position in the protein, it is predicted to be benign by multiple in silico algorithms, and/or has population frequency not consistent with disease.